The following is an entry in ClinVar:

ClinVar aggregate classification (germline): Pathogenic (1 of 4 stars; one submission).

Submission:

Labcorp Genetics (formerly Invitae), Labcorp
Classification: Pathogenic. Last evaluated: 2024-04-29. Review status: criteria provided, single submitter. Criteria: Invitae Variant Classification Sherloc (09022015). Collection method: clinical testing. Allele origin: germline.
Comment: This sequence change creates a premature translational stop signal (p.Glu4Glyfs*10) in the ATP6V1B1 gene. It is expected to result in an absent or disrupted protein product. Loss-of-function variants in ATP6V1B1 are known to be pathogenic (PMID: 9916796, 18368028). This variant is present in population databases (rs781974215, gnomAD 0.007%). This variant has not been reported in the literature in individuals affected with ATP6V1B1-related conditions. For these reasons, this variant has been classified as Pathogenic.

Literature cited by the submitters: PubMed 9916796; PubMed 18368028.

NM_001692.4(ATP6V1B1):c.11_29del (p.Glu4fs)

Gene: ATP6V1B1 (ATPase H+ transporting V1 subunit B1; plus strand). Cytogenetic location: 2p13.3.
Variant type: Deletion.
Coding change: c.11_29del on transcript NM_001692.4 (MANE Select); coding-DNA positions 11 to 29, 19 bases deleted (AGATAGACAGCAGGCCTGG).
Protein change: p.Glu4fs; shifts the reading frame from glutamic acid 4.
Molecular consequence: frameshift variant.
Genome position (GRCh38, 1-based): chr2:70,935,965-70,935,983, AGATAGACAGCAGGCCTGG deleted; deleting any 19 consecutive bases within chr2:70,935,962-70,935,983 gives the same sequence; the c. name uses the placement nearest the transcript's 3' end. VCF-style (leftmost placement, unchanged base first): chr2-70935961-ATGGAGATAGACAGCAGGCC-A. GRCh37 (hg19) VCF-style: chr2-71163091-ATGGAGATAGACAGCAGGCC-A.
Other names: short protein forms E4fs.
Identifiers: ClinVar variation 3651510 (VCV003651510.2).
Genomic context (GRCh38, chr2:70,935,961, plus strand): 5'-GAGCTGCCACCAGCAGCAGGCTCAGACACTGGGCTCCCAGCTGGGGACTGCTCCATGGCC[ATGGAGATAGACAGCAGGCC>A]TGGGGGGCTCCCCGGCAGTAGCTGCAACCTAGGTGCAGCCCGAGAACACATGCAGGCGGT-3'